The following is an entry in ClinVar:

ClinVar aggregate classification (germline): Uncertain significance. Review status: criteria provided, multiple submitters, no conflicts (2 of 4 stars). 3 submissions from 3 submitters: Uncertain significance (3). Last evaluated 2025-10-08.

Conditions:
Colorectal cancer, hereditary nonpolyposis, type 7. Identifiers: Orphanet 144, MedGen C1858380, MONDO:0013725, OMIM 614385.
Endometrial carcinoma. Also called: Endometrial carcinoma, somatic. Identifiers: MedGen C0476089, MONDO:0002447, OMIM 608089, HP:0012114.
Colorectal cancer. Also called: Colorectal cancer, somatic; Malignant Colorectal Neoplasm. Identifiers: MedGen C0346629, MONDO:0005575, OMIM 114500.

Allele frequency attached by ClinVar (database versions not stated): gnomAD exomes below 0.00001; ExAC 0.00001.
gnomAD v4.1: 2 of 1,614,046 alleles (0.00012%); highest among the groups gnomAD compares: Non-Finnish European, 0.00017%; no homozygotes.

Submissions (3):

Ambry Genetics
Classification: Uncertain significance. Last evaluated: 2025-10-08. Review status: criteria provided, single submitter. Criteria: Ambry Variant Classification Scheme 2023. Collection method: clinical testing. Allele origin: germline.
Comment: The p.F923C variant (also known as c.2768T>G), located in coding exon 1 of the MLH3 gene, results from a T to G substitution at nucleotide position 2768. The phenylalanine at codon 923 is replaced by cysteine, an amino acid with highly dissimilar properties. This amino acid position is conserved. In addition, this alteration is predicted to be tolerated by in silico analysis. Since supporting evidence is limited at this time, the clinical significance of this alteration remains unclear.

Fulgent Genetics
Classification: Uncertain significance for Colorectal cancer; Endometrial carcinoma; Colorectal cancer, hereditary nonpolyposis, type 7. Last evaluated: 2024-04-30. Review status: criteria provided, single submitter. Criteria: ACMG Guidelines, 2015. Collection method: clinical testing. Allele origin: germline.

Labcorp Genetics (formerly Invitae), Labcorp
Classification: Uncertain significance for Colorectal cancer, hereditary nonpolyposis, type 7. Last evaluated: 2022-10-19. Review status: criteria provided, single submitter. Criteria: Invitae Variant Classification Sherloc (09022015). Collection method: clinical testing. Allele origin: germline.
Comment: Algorithms developed to predict the effect of missense changes on protein structure and function are either unavailable or do not agree on the potential impact of this missense change (SIFT: "Tolerated"; PolyPhen-2: "Possibly Damaging"; Align-GVGD: "Class C0"). In summary, the available evidence is currently insufficient to determine the role of this variant in disease. Therefore, it has been classified as a Variant of Uncertain Significance. This variant has not been reported in the literature in individuals affected with MLH3-related conditions. This sequence change replaces phenylalanine, which is neutral and non-polar, with cysteine, which is neutral and slightly polar, at codon 923 of the MLH3 protein (p.Phe923Cys). This variant is present in population databases (rs768629222, gnomAD 0.0009%).

NM_001040108.2(MLH3):c.2768T>G (p.Phe923Cys)

Gene: MLH3 (mutL homolog 3; minus strand). Cytogenetic location: 14q24.3.
Variant type: single nucleotide variant.
Coding change: c.2768T>G on transcript NM_001040108.2 (MANE Select); coding-DNA position 2768, T replaced by G.
Protein change: p.Phe923Cys; replaces phenylalanine 923 with cysteine.
Molecular consequence: missense variant.
Genome position (GRCh38, 1-based): chr14:75,046,888, A>C on the plus strand (T>G on the coding strand, the complement: MLH3 is on the minus strand). VCF-style: chr14-75046888-A-C. GRCh37 (hg19) VCF-style: chr14-75513591-A-C.
Other names: c.2768T>G, p.Phe923Cys (NM_014381.3); short protein forms F923C.
Identifiers: ClinVar variation 1795765 (VCV001795765.9), dbSNP rs768629222, ClinGen allele CA7275643.
Genomic context (GRCh38, chr14:75,046,888, plus strand): 5'-TGTGTGGCAGAATCTGATGTTGGGATGACACCATTCTCTGTTTTTTCATGCTTGTTGTTA[A>C]ATAACATACAAAAATCTTGTGTTAACACACTGCACAACTTGCTGTCTTTCCTACTGGAAT-3'
Protein context (NP_001035197.1, residues 913-933): SVLTQDFCML[Phe923Cys]NNKHEKTENG